The following is an entry in ClinVar:

NM_001258392.3(CLPB):c.1866G>A (p.Thr622=)

Gene: CLPB (ClpB family mitochondrial disaggregase; minus strand). Cytogenetic location: 11q13.4.
Variant type: single nucleotide variant.
Coding change: c.1866G>A on transcript NM_001258392.3 (MANE Select); coding-DNA position 1866, G replaced by A.
Protein change: p.Thr622=; no amino-acid change (threonine 622 retained).
Molecular consequence: synonymous variant.
Genome position (GRCh38, 1-based): chr11:72,293,535, C>T on the plus strand (G>A on the coding strand, the complement: CLPB is on the minus strand). VCF-style: chr11-72293535-C-T. GRCh37 (hg19) VCF-style: chr11-72004579-C-T.
Other names: p.Thr652=; c.1779G>A, p.Thr593= (NM_001258393.3); c.1821G>A, p.Thr607= (NM_001258394.3); c.1956G>A, p.Thr652= (NM_030813.6).
Identifiers: ClinVar variation 718976 (VCV000718976.15), dbSNP rs140281600, ClinGen allele CA6171002.
Genomic context (GRCh38, chr11:72,293,535, plus strand): 5'-CTCAGCCTGGGGTGAGGGCAGTTCTGGGCTTTTGAGTAGCTGCTTGTCTGAGTCCTCCAC[C>T]GTGATGCGCAAAGTACAGCCCCCTGGCAGCAGGTCCTGCTCATAGGCTGCTGCCAGCTGG-3'
Protein context (NP_001245321.1, residues 612-632): LLPGGCTLRI[Thr622=]VEDSDKQLLK

ClinVar aggregate classification (germline): Benign/Likely benign. Review status: criteria provided, multiple submitters, no conflicts (2 of 4 stars). 4 submissions from 4 submitters: Benign (1); Likely benign (2). 1 of the submissions does not count toward it. Last evaluated 2025-12-03.

Conditions:
CLPB-related disorder. Also called: CLPB-related condition.
3-methylglutaconic aciduria, type VIIB (MGCA7B). Also called: 3-methylglutaconic aciduria with cataracts, neurologic involvement and neutropenia; CLPB Deficiency; 3-methylglutaconic aciduria, type VII, with cataracts, neurologic involvement and neutropenia. Identifiers: Orphanet 445038, MedGen C5676893, MONDO:0014561, OMIM 616271.

Allele frequency attached by ClinVar (database versions not stated): gnomAD 0.00006; ESP Exome Variant Server 0.00015; TOPMed 0.00037; ExAC 0.00052; 1000 Genomes Project 0.00060; 1000 Genomes Project 30x 0.00078.
gnomAD v4.1: 209 of 1,614,102 alleles (0.013%); highest among the groups gnomAD compares: Admixed American, 0.27%; 2 homozygotes.

Submissions (4):

Labcorp Genetics (formerly Invitae), Labcorp
Classification: Benign for 3-methylglutaconic aciduria, type VIIB. Last evaluated: 2025-12-03. Review status: criteria provided, single submitter. Criteria: Invitae Variant Classification Sherloc (09022015). Collection method: clinical testing. Allele origin: germline.

Mayo Clinic Laboratories, Mayo Clinic
Classification: Likely benign. Last evaluated: 2025-10-15. Review status: criteria provided, single submitter. Criteria: ACMG Guidelines, 2015. Collection method: clinical testing. Allele origin: germline. Observed: 1 variant allele.
Comment: BS1, BP4, BP7

Blueprint Genetics
Classification: Likely benign. Last evaluated: 2024-04-26. Review status: criteria provided, single submitter. Criteria: ACMG Guidelines, 2015. Collection method: clinical testing. Allele origin: germline.

PreventionGenetics, part of Exact Sciences
Classification: Likely benign for CLPB-related condition. Last evaluated: 2022-12-20. Review status: no assertion criteria provided. Collection method: clinical testing. Allele origin: germline. Not counted in ClinVar's aggregate classification.
Comment: This variant is classified as likely benign based on ACMG/AMP sequence variant interpretation guidelines (Richards et al. 2015 PMID: 25741868, with internal and published modifications).